The following is an entry in ClinVar:

NM_000824.5(GLRB):c.1324A>G (p.Ile442Val)

Gene: GLRB (glycine receptor beta; plus strand). Cytogenetic location: 4q32.1.
Variant type: single nucleotide variant.
Coding change: c.1324A>G on transcript NM_000824.5 (MANE Select); coding-DNA position 1324, A replaced by G.
Protein change: p.Ile442Val; replaces isoleucine 442 with valine.
Molecular consequence: missense variant. On other transcripts: 3 prime UTR variant (1).
Genome position (GRCh38, 1-based): chr4:157,170,558, A>G. VCF-style: chr4-157170558-A-G. GRCh37 (hg19) VCF-style: chr4-158091710-A-G.
Other names: c.1324A>G, p.Ile442Val (NM_001166060.2); c.*119A>G (NM_001166061.2); short protein forms I442V.
Identifiers: ClinVar variation 1717017 (VCV001717017.5), dbSNP rs764733822, ClinGen allele CA3119998.

ClinVar aggregate classification (germline): Uncertain significance (1 of 4 stars; one submission).

Conditions:
Hyperekplexia 2 (HKPX2). Identifiers: Orphanet 3197, MedGen C3553291, MONDO:0013828, OMIM 614619.

Allele frequency attached by ClinVar (database versions not stated): TOPMed below 0.00001; ExAC 0.00001; gnomAD 0.00001; gnomAD exomes 0.00001.
gnomAD v4.1: 9 of 1,613,146 alleles (0.00056%); highest among the groups gnomAD compares: Non-Finnish European, 0.00076%; no homozygotes.

Submission:

Labcorp Genetics (formerly Invitae), Labcorp
Classification: Uncertain significance for Hyperekplexia 2. Last evaluated: 2024-10-15. Review status: criteria provided, single submitter. Criteria: Invitae Variant Classification Sherloc (09022015). Collection method: clinical testing. Allele origin: germline.
Comment: This sequence change replaces isoleucine, which is neutral and non-polar, with valine, which is neutral and non-polar, at codon 442 of the GLRB protein (p.Ile442Val). This variant is present in population databases (rs764733822, gnomAD 0.0009%). This variant has not been reported in the literature in individuals affected with GLRB-related conditions. ClinVar contains an entry for this variant (Variation ID: 1717017). Invitae Evidence Modeling of protein sequence and biophysical properties (such as structural, functional, and spatial information, amino acid conservation, physicochemical variation, residue mobility, and thermodynamic stability) indicates that this missense variant is not expected to disrupt GLRB protein function with a negative predictive value of 80%. In summary, the available evidence is currently insufficient to determine the role of this variant in disease. Therefore, it has been classified as a Variant of Uncertain Significance.